The following is an entry in ClinVar:

NM_144701.3(IL23R):c.955G>A (p.Val319Ile)

Gene: IL23R (interleukin 23 receptor; plus strand). Cytogenetic location: 1p31.3.
Variant type: single nucleotide variant.
Coding change: c.955G>A on transcript NM_144701.3 (MANE Select); coding-DNA position 955, G replaced by A.
Protein change: p.Val319Ile; replaces valine 319 with isoleucine.
Molecular consequence: missense variant.
Genome position (GRCh38, 1-based): chr1:67,219,730, G>A. VCF-style: chr1-67219730-G-A. GRCh37 (hg19) VCF-style: chr1-67685413-G-A.
Other names: short protein forms V319I.
Identifiers: ClinVar variation 1374757 (VCV001374757.8), dbSNP rs760405559, ClinGen allele CA899881.

ClinVar aggregate classification (germline): Uncertain significance (1 of 4 stars; one submission).

Allele frequency attached by ClinVar (database versions not stated): ExAC 0.00003.
gnomAD v4.1: 56 of 1,612,846 alleles (0.0035%); highest among the groups gnomAD compares: Middle Eastern, 0.016%; no homozygotes.

Submission:

Labcorp Genetics (formerly Invitae), Labcorp
Classification: Uncertain significance. Last evaluated: 2025-01-23. Review status: criteria provided, single submitter. Criteria: Invitae Variant Classification Sherloc (09022015). Collection method: clinical testing. Allele origin: germline.
Comment: This sequence change replaces valine, which is neutral and non-polar, with isoleucine, which is neutral and non-polar, at codon 319 of the IL23R protein (p.Val319Ile). This variant is present in population databases (rs760405559, gnomAD 0.006%). This variant has not been reported in the literature in individuals affected with IL23R-related conditions. ClinVar contains an entry for this variant (Variation ID: 1374757). An algorithm developed to predict the effect of missense changes on protein structure and function outputs the following: PolyPhen-2: "Benign". The isoleucine amino acid residue is found in multiple mammalian species, which suggests that this missense change does not adversely affect protein function. Algorithms developed to predict the effect of sequence changes on RNA splicing suggest that this variant may disrupt the consensus splice site. In summary, the available evidence is currently insufficient to determine the role of this variant in disease. Therefore, it has been classified as a Variant of Uncertain Significance.